The following is an entry in ClinVar:

NM_004656.4(BAP1):c.437+3G>A

Gene: BAP1 (BRCA1 associated deubiquitinase 1; minus strand). Cytogenetic location: 3p21.1.
Variant type: single nucleotide variant.
Coding change: c.437+3G>A on transcript NM_004656.4 (MANE Select); 3 bases into the intron after coding-DNA position 437, G replaced by A.
Molecular consequence: intron variant.
Genome position (GRCh38, 1-based): chr3:52,407,396, C>T on the plus strand (G>A on the coding strand, the complement: BAP1 is on the minus strand). VCF-style: chr3-52407396-C-T. GRCh37 (hg19) VCF-style: chr3-52441412-C-T.
Identifiers: ClinVar variation 1740085 (VCV001740085.4), dbSNP rs2153227929, ClinGen allele CA2580070197.

ClinVar aggregate classification (germline): Benign/Likely benign. Review status: criteria provided, multiple submitters, no conflicts (2 of 4 stars). 2 submissions from 2 submitters: Benign (1); Likely benign (1). Last evaluated 2025-07-10.

Conditions:
Hereditary cancer-predisposing syndrome. Also called: Hereditary Cancer Syndrome; Hereditary neoplastic syndrome; Neoplastic Syndromes, Hereditary; Tumor predisposition. Identifiers: Orphanet 140162, MedGen C0027672, MeSH D009386, MONDO:0015356.
BAP1-related tumor predisposition syndrome (TPDS1). Also called: COMMON Syndrome; TUMOR PREDISPOSITION SYNDROME 1; BAP1 tumor predisposition syndrome; Tumor susceptibility linked to germline BAP1 mutations. Identifiers: Orphanet 289539, MedGen C3280492, MONDO:0013692, OMIM 614327.

Submissions (2):

Ambry Genetics
Classification: Benign for Hereditary cancer-predisposing syndrome. Last evaluated: 2025-07-10. Review status: criteria provided, single submitter. Criteria: Ambry Variant Classification Scheme 2023. Collection method: clinical testing. Allele origin: germline.

Myriad Genetics, Inc.
Classification: Likely benign for BAP1-related tumor predisposition syndrome. Last evaluated: 2024-07-12. Review status: criteria provided, single submitter. Criteria: Myriad Autosomal Dominant, Autosomal Recessive and X-Linked Classification Criteria (2023). Collection method: clinical testing. Allele origin: unknown.
Comment: This variant is considered likely benign. This variant is intronic and is not expected to impact mRNA splicing.

Literature cited by the submitters: PubMed 38969833 (cited by Ambry Genetics).